The following is an entry in ClinVar:

ClinVar aggregate classification (germline): Uncertain significance (1 of 4 stars; one submission).

Submission:

Dasa
Classification: Uncertain significance. Last evaluated: 2025-04-29. Review status: criteria provided, single submitter. Criteria: DASA Assertion Criteria. Collection method: clinical testing. Allele origin: germline.
Comment: NM_000053.4(ATP7B):c.3790A>T (p.Met1264Leu) is a missense variant that results in the substitution of methionine with leucine. This variant is absent from population databases. Computational prediction algorithms are consistent with a deleterious effect. The currently available literature and clinical evidence are not sufficient to establish a definitive association between this variant and the reported condition. Therefore, this variant is classified as a variant of uncertain significance.

NM_000053.4(ATP7B):c.3790A>T (p.Met1264Leu)

Gene: ATP7B (ATPase copper transporting beta; minus strand). Cytogenetic location: 13q14.3.
Variant type: single nucleotide variant.
Coding change: c.3790A>T on transcript NM_000053.4 (MANE Select); coding-DNA position 3790, A replaced by T.
Protein change: p.Met1264Leu; replaces methionine 1264 with leucine.
Molecular consequence: missense variant. On other transcripts: intron variant (1).
Genome position (GRCh38, 1-based): chr13:51,937,589, T>A on the plus strand (A>T on the coding strand, the complement: ATP7B is on the minus strand). VCF-style: chr13-51937589-T-A. GRCh37 (hg19) VCF-style: chr13-52511725-T-A.
Other names: c.3169A>T, p.Met1057Leu (NM_001005918.3); c.3457A>T, p.Met1153Leu (NM_001243182.2); c.3556A>T, p.Met1186Leu (NM_001330578.2, NM_001406527.1, NM_001406528.1); c.3538A>T, p.Met1180Leu (NM_001330579.2, NM_001406531.1, NM_001406532.1); c.3790A>T, p.Met1264Leu (NM_001406511.1, NM_001406512.1); c.3784A>T, p.Met1262Leu (NM_001406513.1); c.3757A>T, p.Met1253Leu (NM_001406514.1); c.3736A>T, p.Met1246Leu (NM_001406515.1, NM_001406516.1); and 21 more; short protein forms M1037L, M1048L, M1057L, M1070L, M1100L, M1102L, M1115L, M1121L.
Identifiers: ClinVar variation 4882874 (VCV004882874.2).
Genomic context (GRCh38, chr13:51,937,589, plus strand): 5'-TGGCCACACCCATGTCTGCCTGGGCCAAGGCCGGGGAGTCATTGACCCCATCCCCCACCA[T>A]GGCGACTTTCTTCCCTTTATTCTGGAGCTCCTGGACCTTGGCCACCTTGTGCGAAGGCAG-3'
Protein context (NP_000044.2, residues 1254-1274): ELQNKGKKVA[Met1264Leu]VGDGVNDSPA